The following is an entry in ClinVar:

NM_015047.3(EMC1):c.1118A>G (p.Tyr373Cys)

Genes: EMC1 (ER membrane protein complex subunit 1; minus strand), EMC1-AS1 (EMC1 antisense RNA 1; plus strand). Cytogenetic location: 1p36.13.
Variant type: single nucleotide variant.
Coding change: c.1118A>G on transcript NM_015047.3 (MANE Select); coding-DNA position 1118, A replaced by G.
Protein change: p.Tyr373Cys; replaces tyrosine 373 with cysteine.
Molecular consequence: missense variant.
Genome position (GRCh38, 1-based): chr1:19,238,111, T>C on the plus strand (A>G on the coding strand, the complement: EMC1 is on the minus strand). VCF-style: chr1-19238111-T-C. GRCh37 (hg19) VCF-style: chr1-19564605-T-C.
Other names: c.1115A>G, p.Tyr372Cys (NM_001271427.2, NM_001375821.1); c.1118A>G, p.Tyr373Cys (NM_001271428.2, NM_001375820.1); c.1052A>G, p.Tyr351Cys (NM_001271429.2); short protein forms Y351C, Y373C, Y372C.
Identifiers: ClinVar variation 2103697 (VCV002103697.4), dbSNP rs1165994376, ClinGen allele CA338766645.
Genomic context (GRCh38, chr1:19,238,111, plus strand): 5'-AATGTTATCGTGGTGTCCAGCAGCCGCCGACCTGTCTCCACGAGGTATAGGTTAATGGTG[T>C]AGGTCTGATTGAAGCAAGCCAGAGAGTCCTAGGAGTACAGACAGCACGTGTCAACTACAG-3'
Protein context (NP_055862.1, residues 363-383): KDSLACFNQT[Tyr373Cys]TINLYLVETG

ClinVar aggregate classification (germline): Uncertain significance (1 of 4 stars; one submission).

Allele frequency attached by ClinVar (database versions not stated): TOPMed below 0.00001; gnomAD 0.00001.
gnomAD v4.1: 1 of 1,614,014 alleles (0.000062%); no homozygotes.

Submission:

Labcorp Genetics (formerly Invitae), Labcorp
Classification: Uncertain significance. Last evaluated: 2023-12-07. Review status: criteria provided, single submitter. Criteria: Invitae Variant Classification Sherloc (09022015). Collection method: clinical testing. Allele origin: germline.
Comment: This sequence change replaces tyrosine, which is neutral and polar, with cysteine, which is neutral and slightly polar, at codon 373 of the EMC1 protein (p.Tyr373Cys). This variant is not present in population databases (gnomAD no frequency). This variant has not been reported in the literature in individuals affected with EMC1-related conditions. ClinVar contains an entry for this variant (Variation ID: 2103697). Advanced modeling of protein sequence and biophysical properties (such as structural, functional, and spatial information, amino acid conservation, physicochemical variation, residue mobility, and thermodynamic stability) performed at Invitae indicates that this missense variant is not expected to disrupt EMC1 protein function with a negative predictive value of 80%. In summary, the available evidence is currently insufficient to determine the role of this variant in disease. Therefore, it has been classified as a Variant of Uncertain Significance.